The following is an entry in ClinVar:

NM_000503.6(EYA1):c.442A>G (p.Thr148Ala)

Gene: EYA1 (EYA transcriptional coactivator and phosphatase 1; minus strand). Cytogenetic location: 8q13.3.
Variant type: single nucleotide variant.
Coding change: c.442A>G on transcript NM_000503.6 (MANE Select); coding-DNA position 442, A replaced by G.
Protein change: p.Thr148Ala; replaces threonine 148 with alanine.
Molecular consequence: missense variant.
Genome position (GRCh38, 1-based): chr8:71,317,666, T>C on the plus strand (A>G on the coding strand, the complement: EYA1 is on the minus strand). VCF-style: chr8-71317666-T-C. GRCh37 (hg19) VCF-style: chr8-72229901-T-C.
Other names: c.424A>G, p.Thr142Ala (NM_001288574.2); c.76A>G, p.Thr26Ala (NM_001288575.2); c.529A>G, p.Thr177Ala (NM_001370333.1); c.442A>G, p.Thr148Ala (NM_001370334.1, NM_001370335.1, NM_172058.4); c.511A>G, p.Thr171Ala (NM_001370336.1); c.343A>G, p.Thr115Ala (NM_001411797.1, NM_172060.4); c.514A>G, p.Thr172Ala (NM_172059.5); short protein forms T115A, T142A, T148A, T171A, T172A, T177A, T26A.
Identifiers: ClinVar variation 3343567 (VCV003343567.1).

ClinVar aggregate classification (germline): Uncertain significance (1 of 4 stars; one submission).

Submission:

GeneDx
Classification: Uncertain significance. Last evaluated: 2023-05-22. Review status: criteria provided, single submitter. Criteria: GeneDx Variant Classification Process June 2021. Collection method: clinical testing. Allele origin: germline. Affected: yes.
Comment: Not observed at significant frequency in large population cohorts (gnomAD); In silico analysis supports that this missense variant does not alter protein structure/function; Has not been previously published as pathogenic or benign to our knowledge